The following is an entry in ClinVar:

NM_001384317.1(ZHX3):c.2519_2530del (p.Leu840_Ala843del)

Gene: ZHX3 (zinc fingers and homeoboxes 3; minus strand). Cytogenetic location: 20q12.
Variant type: Deletion.
Coding change: c.2519_2530del on transcript NM_001384317.1 (MANE Select); coding-DNA positions 2519 to 2530, 12 bases deleted (TGGTCATTGCCC).
Protein change: p.Leu840_Ala843del.
Molecular consequence: inframe deletion.
Genome position (GRCh38, 1-based): chr20:41,202,387-41,202,398, GGGCAATGACCA deleted on the plus strand (TGGTCATTGCCC on the coding strand, the reverse complement: ZHX3 is on the minus strand); deleting any 12 consecutive bases within chr20:41,202,387-41,202,399 gives the same sequence; the c. name uses the placement nearest the transcript's 3' end. VCF-style (leftmost placement, unchanged base first): chr20-41202386-GGGGCAATGACCA-G. GRCh37 (hg19) VCF-style: chr20-39831026-GGGGCAATGACCA-G.
Other names: c.2519_2530del, p.Leu840_Ala843del (NM_001384315.1, NM_001384316.1, NM_001384318.1 and 8 more transcripts).
Identifiers: ClinVar variation 3622780 (VCV003622780.2).

ClinVar aggregate classification (germline): Uncertain significance (1 of 4 stars; one submission).

Submission:

Labcorp Genetics (formerly Invitae), Labcorp
Classification: Uncertain significance. Last evaluated: 2024-12-12. Review status: criteria provided, single submitter. Criteria: Invitae Variant Classification Sherloc (09022015). Collection method: clinical testing. Allele origin: germline.
Comment: This variant, c.2519_2530del, results in the deletion of 4 amino acid(s) of the ZHX3 protein (p.Leu840_Ala843del), but otherwise preserves the integrity of the reading frame. This variant is present in population databases (no rsID available, gnomAD 0.007%). This variant has not been reported in the literature in individuals affected with ZHX3-related conditions. Experimental studies and prediction algorithms are not available or were not evaluated, and the functional significance of this variant is currently unknown. In summary, the available evidence is currently insufficient to determine the role of this variant in disease. Therefore, it has been classified as a Variant of Uncertain Significance.